The following is an entry in ClinVar:

ClinVar aggregate classification (germline): Pathogenic/Likely pathogenic. Review status: criteria provided, multiple submitters, no conflicts (2 of 4 stars). 9 submissions from 9 submitters: Pathogenic (6); Likely pathogenic (1). 2 of the submissions do not count toward it. Last evaluated 2025-07-27.

Conditions:
ALDOB-related disorder. Also called: ALDOB-related condition.
Hereditary fructosuria. Also called: ALDOB DEFICIENCY; ALDOLASE B DEFICIENCY; FRUCTOSE-1,6-BISPHOSPHATE ALDOLASE B DEFICIENCY; FRUCTOSE-1-PHOSPHATE ALDOLASE DEFICIENCY; FRUCTOSEMIA; Hereditary fructose intolerance. Identifiers: Orphanet 469, MedGen C0016751, MONDO:0009249, OMIM 229600, HP:0005973. Disease mechanism: loss of function.

Submissions (9):

Labcorp Genetics (formerly Invitae), Labcorp
Classification: Pathogenic for Hereditary fructosuria. Last evaluated: 2025-07-27. Review status: criteria provided, single submitter. Criteria: Invitae Variant Classification Sherloc (09022015). Collection method: clinical testing. Allele origin: germline.
Comment: This variant results in the deletion of part of exon 3 (c.113-1_115del) of the ALDOB gene. It is expected to disrupt RNA splicing. Variants that disrupt the donor or acceptor splice site typically lead to a loss of protein function (PMID: 16199547), and loss-of-function variants in ALDOB are known to be pathogenic (PMID: 18541450). This variant is present in population databases (rs786204598, gnomAD 0.002%). This variant has been observed in individuals with fructose intolerance (PMID: 2349937, 15880727). ClinVar contains an entry for this variant (Variation ID: 188974). For these reasons, this variant has been classified as Pathogenic.

Natera, Inc.
Classification: Pathogenic for Fructose intolerance. Last evaluated: 2025-03-05. Review status: criteria provided, single submitter. Criteria: Natera Variant Classification Schema (03/2026). Collection method: clinical testing. Allele origin: germline.
Comment: The c.113-1_115delGGTA variant in ALDOB is a canonical splice acceptor site variant predicted to affect pre-mRNA splicing, which may result in an abnormal transcript and altered protein product. This variant is expected to result in nonsense mediated decay, truncation, or a dysfunctional protein product. This variant is rare in the general population with a frequency below the threshold expected for the associated phenotype(s). This variant has been observed in one or more individuals affected with the associated recessive disease, as either homozygous or compound heterozygous with a second variant (PMID: 34162028). Given the available evidence, this variant is classified as Pathogenic.

Blueprint Genetics
Classification: Pathogenic for ALDOB-related disorders. Last evaluated: 2024-11-21. Review status: criteria provided, single submitter. Criteria: ACMG Guidelines, 2015. Collection method: clinical testing. Allele origin: germline. Affected: yes. Observed: 5 variant alleles.

GeneDx
Classification: Pathogenic. Last evaluated: 2024-09-06. Review status: criteria provided, single submitter. Criteria: GeneDx Variant Classification Process June 2021. Collection method: clinical testing. Allele origin: germline. Affected: yes.
Comment: Canonical splice site variant predicted to result in a null allele in a gene for which loss of function is a known mechanism of disease; Not observed at significant frequency in large population cohorts (gnomAD); This variant is associated with the following publications: (PMID: 34426522, 32709737, 34162028, 15880727, 1772121, 2349937)

Fulgent Genetics
Classification: Pathogenic for Hereditary fructosuria. Last evaluated: 2024-05-30. Review status: criteria provided, single submitter. Criteria: ACMG Guidelines, 2015. Collection method: clinical testing. Allele origin: germline.

3billion
Classification: Pathogenic for Hereditary fructosuria. Last evaluated: 2023-02-23. Review status: criteria provided, single submitter. Criteria: ACMG Guidelines, 2015. Collection method: clinical testing. Allele origin: unknown. Affected: yes.
Comment: The variant is observed at an extremely low frequency in the gnomAD v2.1.1 dataset (total allele frequency: 0.001%). This variant was predicted to alter splicing and result in a loss or disruption of normal protein function. Multiple pathogenic loss-of-function variants are reported downstream of the variant. The variant has been reported at least twice as pathogenic with clinical assertions and evidence for the classification (PMID: 2349937). Therefore, this variant is classified as Pathogenic according to the recommendation of ACMG/AMP guideline.

Women's Health and Genetics/Laboratory Corporation of America, LabCorp
Classification: Likely pathogenic for Hereditary fructosuria. Last evaluated: 2023-01-08. Review status: criteria provided, single submitter. Criteria: LabCorp Variant Classification Summary - May 2015. Collection method: clinical testing. Allele origin: germline.
Comment: Variant summary: ALDOB c.113-1_115delGGTA is located in a canonical splice-site and is predicted to affect mRNA splicing resulting in a significantly altered protein due to either exon skipping, shortening, or inclusion of intronic material. Several computational tools predict a significant impact on normal splicing: Four predict the variant abolishes a canonical 3' acceptor site. However, these predictions have yet to be confirmed by functional studies. The variant allele was found at a frequency of 4e-06 in 250930 control chromosomes. c.113-1_115delGGTA has been reported in the literature as a homozygous or compound heterozygous genotype in at-least two individuals affected with Hereditary Fructose Intolerance and subsequently cited by others (example, Cross_1990, Ali_1998, Kaiser_1991). To our knowledge, no experimental evidence demonstrating an impact on protein function has been reported. Two clinical diagnostic laboratories have submitted clinical-significance assessments for this variant to ClinVar after 2014 and classified the variant as pathogenic/likely pathogenic. Based on the evidence outlined above, the variant was classified as likely pathogenic.

ATS em Genética Clínica, Universidade Federal do Rio Grande do Sul
Classification: Likely pathogenic for Hereditary fructosuria. Last evaluated: 2021-03-18. Review status: no assertion criteria provided. Collection method: literature only. Allele origin: unknown. Affected: yes. Not counted in ClinVar's aggregate classification.

Counsyl
Classification: Likely pathogenic for Hereditary fructosuria. Last evaluated: 2014-09-23. Review status: no assertion criteria provided. Collection method: literature only. Allele origin: unknown. Inheritance: Autosomal recessive inheritance. Not counted in ClinVar's aggregate classification.

Literature cited by the submitters: PubMed 16199547 (cited by Labcorp Genetics (formerly Invitae), Labcorp); PubMed 18541450 (cited by Labcorp Genetics (formerly Invitae), Labcorp); PubMed 2349937 (cited by 5 submitters); PubMed 15880727 (cited by Labcorp Genetics (formerly Invitae), Labcorp); PubMed 34162028 (cited by Natera, Inc. and Women's Health and Genetics/Laboratory Corporation of America, LabCorp); PubMed 9610797 (cited by Women's Health and Genetics/Laboratory Corporation of America, LabCorp); PubMed 1772121 (cited by Women's Health and Genetics/Laboratory Corporation of America, LabCorp).

NM_000035.4(ALDOB):c.113-1_115del

Gene: ALDOB (aldolase, fructose-bisphosphate B; minus strand). Cytogenetic location: 9q31.1.
Variant type: Deletion.
Coding change: c.113-1_115del on transcript NM_000035.4 (MANE Select); the canonical splice acceptor site of the intron before coding-DNA position 113 through coding-DNA position 115, 4 bases deleted (GGTA; older notation c.113-1_115delGGTA).
Molecular consequence: splice acceptor variant.
Genome position (GRCh38, 1-based): chr9:101,429,964-101,429,967, TACC deleted on the plus strand (GGTA on the coding strand, the reverse complement: ALDOB is on the minus strand); deleting any 4 consecutive bases within chr9:101,429,964-101,429,969 gives the same sequence; the c. name uses the placement nearest the transcript's 3' end. VCF-style (leftmost placement, unchanged base first): chr9-101429963-GTACC-G. GRCh37 (hg19) VCF-style: chr9-104192245-GTACC-G.
Other names: c.113-1_115delGGTA (NM_000035.3).
Identifiers: ClinVar variation 188974 (VCV000188974.24), dbSNP rs786204598, ClinGen allele CA199107.
Genomic context (GRCh38, chr9:101,429,963, plus strand): 5'-AACTGCCGGCGGTTCTCTTCAGTGTTTTCCACCTTGATCCTCTGCAGGCGGTTCCCCATG[GTACC>G]TATGGTGGGAGGGCCAAGGGCAGCATAAGGAGCAAGCCAGGGCTTTCCTGTCACCCTTCT-3'